The following is an entry in ClinVar:

ClinVar aggregate classification (germline): Conflicting classifications of pathogenicity. Review status: criteria provided, conflicting classifications (1 of 4 stars). 6 submissions from 6 submitters: Uncertain significance (1); Benign (2); Likely benign (3). Last evaluated 2026-01-01.

Conditions:
Retinitis pigmentosa (RP). Identifiers: Orphanet 791, MedGen C0035334, MeSH D012174, MONDO:0019200, OMIM 268000. Inheritance: Autosomal dominant, autosomal recessive and X linked inheritance.

Allele frequency attached by ClinVar (database versions not stated): ESP Exome Variant Server 0.00016; 1000 Genomes Project 30x 0.00265; 1000 Genomes Project 0.00280; TOPMed 0.00610; gnomAD 0.00631 and 0.00653; ExAC 0.00855; gnomAD exomes 0.00877.

Submissions (6):

CeGaT Center for Human Genetics Tuebingen
Classification: Likely benign. Last evaluated: 2026-01-01. Review status: criteria provided, single submitter. Criteria: CeGaT Center For Human Genetics Tuebingen Variant Classification Criteria Version 2. Collection method: clinical testing. Allele origin: germline. Affected: yes. Observed: 6 variant alleles.
Comment: PCARE: BP4, BS2

Labcorp Genetics (formerly Invitae), Labcorp
Classification: Benign. Last evaluated: 2025-03-30. Review status: criteria provided, single submitter. Criteria: Invitae Variant Classification Sherloc (09022015). Collection method: clinical testing. Allele origin: germline.

Blueprint Genetics
Classification: Likely benign. Last evaluated: 2024-11-25. Review status: criteria provided, single submitter. Criteria: ACMG Guidelines, 2015. Collection method: clinical testing. Allele origin: germline.

GeneDx
Classification: Likely benign. Last evaluated: 2019-01-29. Review status: criteria provided, single submitter. Criteria: GeneDx Variant Classification Process June 2021. Collection method: clinical testing. Allele origin: germline. Affected: yes.

Illumina Laboratory Services, Illumina
Classification: Benign for Retinitis pigmentosa. Last evaluated: 2017-04-27. Review status: criteria provided, single submitter. Criteria: ICSL Variant Classification Criteria 13 December 2019. Collection method: clinical testing. Allele origin: germline.
Comment: This variant was observed as part of a predisposition screen in an ostensibly healthy population. A literature search was performed for the gene, cDNA change, and amino acid change (where applicable). No publications were found based on this search. Allele frequency data from public databases was too high to be consistent with this variant causing disease. Therefore, this variant is classified as benign.

Eurofins Ntd Llc (ga)
Classification: Uncertain significance. Last evaluated: 2014-08-25. Review status: criteria provided, single submitter. Criteria: EGL Classification Definitions 2015. Collection method: clinical testing. Allele origin: germline. Observed: 3 variant alleles.

NM_001029883.3(PCARE):c.3059A>G (p.Gln1020Arg)

Gene: PCARE (photoreceptor cilium actin regulator; minus strand). Cytogenetic location: 2p23.2.
Variant type: single nucleotide variant.
Coding change: c.3059A>G on transcript NM_001029883.3 (MANE Select); coding-DNA position 3059, A replaced by G.
Protein change: p.Gln1020Arg; replaces glutamine 1020 with arginine.
Molecular consequence: missense variant.
Genome position (GRCh38, 1-based): chr2:29,071,203, T>C on the plus strand (A>G on the coding strand, the complement: PCARE is on the minus strand). VCF-style: chr2-29071203-T-C. GRCh37 (hg19) VCF-style: chr2-29294069-T-C.
Other names: short protein forms Q1020R.
Identifiers: ClinVar variation 193135 (VCV000193135.45), dbSNP rs200367963, ClinGen allele CA238641.